The following is an entry in ClinVar:

ClinVar aggregate classification (germline): Uncertain significance (1 of 4 stars; one submission).

Conditions:
Inborn genetic diseases. Identifiers: MedGen C0950123, MeSH D030342.

gnomAD v4.1: 2 of 1,614,066 alleles (0.00012%); highest among the groups gnomAD compares: Non-Finnish European, 0.000085%; no homozygotes.

Submission:

Ambry Genetics
Classification: Uncertain significance for Inborn genetic diseases. Last evaluated: 2025-11-01. Review status: criteria provided, single submitter. Criteria: Ambry Variant Classification Scheme 2023. Collection method: clinical testing. Allele origin: germline.
Comment: The p.P994S variant (also known as c.2980C>T), located in coding exon 13 of the ASXL1 gene, results from a C to T substitution at nucleotide position 2980. The proline at codon 994 is replaced by serine, an amino acid with similar properties. This amino acid position is conserved. In addition, this alteration is predicted to be tolerated by in silico analysis. Based on the available evidence, the clinical significance of this variant remains unclear.

NM_015338.6(ASXL1):c.2980C>T (p.Pro994Ser)

Gene: ASXL1 (ASXL transcriptional regulator 1; plus strand). Cytogenetic location: 20q11.21.
Variant type: single nucleotide variant.
Coding change: c.2980C>T on transcript NM_015338.6 (MANE Select); coding-DNA position 2980, C replaced by T.
Protein change: p.Pro994Ser; replaces proline 994 with serine.
Molecular consequence: missense variant.
Genome position (GRCh38, 1-based): chr20:32,435,692, C>T. VCF-style: chr20-32435692-C-T. GRCh37 (hg19) VCF-style: chr20-31023495-C-T.
Other names: c.2797C>T, p.Pro933Ser (NM_001363734.1); short protein forms P933S, P994S.
Identifiers: ClinVar variation 4588287 (VCV004588287.1).
Genomic context (GRCh38, chr20:32,435,692, plus strand): 5'-TACTGTCAACAGGTGGACATTGAAAAGCTGAAAATCAACGGAGACTCTGAAGCACTGAGT[C>T]CTCACGGTGAGTCCACGGATACAGCCTCTGACTTTGAAGGTCACCTCACGGAGGACAGCA-3'
Protein context (NP_056153.2, residues 984-1004): KINGDSEALS[Pro994Ser]HGESTDTASD